The following is an entry in ClinVar:

NM_001267550.2(TTN):c.22420G>A (p.Ala7474Thr)

Gene: TTN (titin; minus strand). Cytogenetic location: 2q31.2.
Variant type: single nucleotide variant.
Coding change: c.22420G>A on transcript NM_001267550.2 (MANE Select); coding-DNA position 22420, G replaced by A.
Protein change: p.Ala7474Thr; replaces alanine 7474 with threonine.
Molecular consequence: missense variant. On other transcripts: intron variant (3).
Genome position (GRCh38, 1-based): chr2:178,722,367, C>T on the plus strand (G>A on the coding strand, the complement: TTN is on the minus strand). VCF-style: chr2-178722367-C-T. GRCh37 (hg19) VCF-style: chr2-179587094-C-T.
Other names: p.A7157T:GCA>ACA; c.21469G>A, p.Ala7157Thr (NM_001256850.1); c.18688G>A, p.Ala6230Thr (NM_133378.4); c.13282+15715G>A (NM_003319.4); c.13858+15715G>A (NM_133437.4); c.13657+15715G>A (NM_133432.3); short protein forms A7157T, A7474T, A6230T.
Identifiers: ClinVar variation 203313 (VCV000203313.36), dbSNP rs759713604, ClinGen allele CA312007.

ClinVar aggregate classification (germline): Conflicting classifications of pathogenicity. Review status: criteria provided, conflicting classifications (1 of 4 stars). 12 submissions from 8 submitters: Uncertain significance (7); Benign (2); Likely benign (3). Last evaluated 2026-02-20.

Conditions:
TTN-related disorder. Also called: TTN-related condition; TTN-related disease; TTN-related disorders.
Autosomal recessive limb-girdle muscular dystrophy type 2J (LGMDR10). Also called: Limb-girdle muscular dystrophy, type 2J; MUSCULAR DYSTROPHY, LIMB-GIRDLE, AUTOSOMAL RECESSIVE 10. Identifiers: Orphanet 140922, MedGen C1837342, MONDO:0012127, OMIM 608807.
Dilated cardiomyopathy 1G (CMD1G). Identifiers: Orphanet 154, MedGen C1858763, MONDO:0011400, OMIM 604145.
Congenital myopathy. Identifiers: Orphanet 97245, MedGen C0270960, MONDO:0019952.
Cardiomyopathy (CMYO). Also called: Cardiomyopathies. Identifiers: Orphanet 167848, MedGen C0878544, MONDO:0004994, HP:0001638. Inheritance: Various modes of inheritance.
Early-onset myopathy with fatal cardiomyopathy (CMYO5). Also called: Salih Myopathy; CONGENITAL MYOPATHY 5 WITH CARDIOMYOPATHY. Identifiers: Orphanet 289377, MedGen C2673677, MONDO:0012714, OMIM 611705. Disease mechanism: loss of function.
Myopathy, myofibrillar, 9, with early respiratory failure (MFM9). Also called: EDSTROM MYOPATHY; MYOPATHY, PROXIMAL, WITH EARLY RESPIRATORY MUSCLE INVOLVEMENT; Myopathy, distal, with early respiratory failure, autosomal dominant; Hereditary myopathy with early respiratory failure. Identifiers: Orphanet 178464, Orphanet 34521, MedGen C1863599, MONDO:0011362, OMIM 603689.
Tibial muscular dystrophy (TMD). Also called: Tibial muscular dystrophy, tardive; UDD MYOPATHY; Udd Distal Myopathy – Tibial Muscular Dystrophy. Identifiers: Orphanet 609, MedGen C1838244, MONDO:0010870, OMIM 600334.

Allele frequency attached by ClinVar (database versions not stated): gnomAD 0.00007 and 0.00008; TOPMed 0.00008; gnomAD exomes 0.00012 and 0.00030; ExAC 0.00013.
gnomAD v4.1: 434 of 1,613,156 alleles (0.027%); highest among the groups gnomAD compares: Non-Finnish European, 0.034%; 1 homozygote.

Submissions (12):

PreventionGenetics, part of Exact Sciences
Classification: Likely benign for TTN-related condition. Last evaluated: 2026-02-20. Review status: criteria provided, single submitter. Criteria: ACMG Guidelines, 2015. Collection method: clinical testing. Allele origin: germline.
Comment: This variant is classified as likely benign based on ACMG/AMP sequence variant interpretation guidelines (Richards et al. 2015 PMID: 25741868, with internal and published modifications).

Molecular Diagnostic Laboratory for Inherited Cardiovascular Disease, Montreal Heart Institute
Classification: Likely benign. Last evaluated: 2025-04-09. Review status: criteria provided, single submitter. Criteria: ACMG Guidelines, 2015. Collection method: clinical testing. Allele origin: germline. Affected: no.

CeGaT Center for Human Genetics Tuebingen
Classification: Uncertain significance. Last evaluated: 2022-10-01. Review status: criteria provided, single submitter. Criteria: CeGaT Center For Human Genetics Tuebingen Variant Classification Criteria Version 2. Collection method: clinical testing. Allele origin: germline. Affected: yes. Observed: 1 variant allele.

Cambridge Genomics Laboratory, East Genomic Laboratory Hub, NHS Genomic Medicine Service
Classification: Benign for Congenital myopathy. Last evaluated: 2019-11-08. Review status: criteria provided, single submitter. Criteria: ACGS Best Practice Guidelines for Variant Classification in Rare Disease 2020. Collection method: clinical testing. Allele origin: germline. Affected: yes. Observed: 1 variant allele.

CHEO Genetics Diagnostic Laboratory, Children's Hospital of Eastern Ontario
Classification: Uncertain significance for Cardiomyopathy. Last evaluated: 2019-05-28. Review status: criteria provided, single submitter. Criteria: ACMG Guidelines, 2015. Collection method: clinical testing. Allele origin: germline.

Illumina Laboratory Services, Illumina
Classification: Uncertain significance for Autosomal recessive limb-girdle muscular dystrophy type 2J. Last evaluated: 2018-01-12. Review status: criteria provided, single submitter. Criteria: ICSL Variant Classification Criteria 13 December 2019. Collection method: clinical testing. Allele origin: germline.

Illumina Laboratory Services, Illumina
Classification: Likely benign for Myopathy, myofibrillar, 9, with early respiratory failure. Last evaluated: 2018-01-12. Review status: criteria provided, single submitter. Criteria: ICSL Variant Classification Criteria 13 December 2019. Collection method: clinical testing. Allele origin: germline.
Comment: This variant was observed in the ICSL laboratory as part of a predisposition screen in an ostensibly healthy population. It had not been previously curated by ICSL or reported in the Human Gene Mutation Database (HGMD: prior to June 1st, 2018), and was therefore a candidate for classification through an automated scoring system. Utilizing variant allele frequency, disease prevalence and penetrance estimates, and inheritance mode, an automated score was calculated to assess if this variant is too frequent to cause the disease. Based on the score and internal cut-off values, a variant classified as likely benign is not then subjected to further curation. The score for this variant resulted in a classification of likely benign for this disease.

Illumina Laboratory Services, Illumina
Classification: Benign for Tibial muscular dystrophy. Last evaluated: 2018-01-12. Review status: criteria provided, single submitter. Criteria: ICSL Variant Classification Criteria 13 December 2019. Collection method: clinical testing. Allele origin: germline.
Comment: This variant was observed in the ICSL laboratory as part of a predisposition screen in an ostensibly healthy population. It had not been previously curated by ICSL or reported in the Human Gene Mutation Database (HGMD: prior to June 1st, 2018), and was therefore a candidate for classification through an automated scoring system. Utilizing variant allele frequency, disease prevalence and penetrance estimates, and inheritance mode, an automated score was calculated to assess if this variant is too frequent to cause the disease. Based on the score and internal cut-off values, a variant classified as benign is not then subjected to further curation. The score for this variant resulted in a classification of benign for this disease.

Illumina Laboratory Services, Illumina
Classification: Uncertain significance for Dilated cardiomyopathy 1G. Last evaluated: 2018-01-12. Review status: criteria provided, single submitter. Criteria: ICSL Variant Classification Criteria 13 December 2019. Collection method: clinical testing. Allele origin: germline.

Illumina Laboratory Services, Illumina
Classification: Uncertain significance for Early-onset myopathy with fatal cardiomyopathy. Last evaluated: 2018-01-12. Review status: criteria provided, single submitter. Criteria: ICSL Variant Classification Criteria 13 December 2019. Collection method: clinical testing. Allele origin: germline.

Labcorp Genetics (formerly Invitae), Labcorp
Classification: Uncertain significance for Dilated cardiomyopathy 1G; Autosomal recessive limb-girdle muscular dystrophy type 2J. Last evaluated: 2017-10-02. Review status: criteria provided, single submitter. Criteria: Invitae Variant Classification Sherloc (09022015). Collection method: clinical testing. Allele origin: germline.

GeneDx
Classification: Uncertain significance. Last evaluated: 2014-02-19. Review status: criteria provided, single submitter. Criteria: GeneDx Variant Classification (06012015). Collection method: clinical testing. Allele origin: germline. Affected: yes.
Comment: Missense variants in the TTN gene are considered 'unclassified' if they are not previously reported in the literature and do not have >1% frequency in the population to be considered a polymorphism. Research indicates that truncating mutations in the TTN gene are expected to account for approximately 25% of familial and 18% of sporadic idiopathic DCM; however, truncating variants in the TTN gene have been reported in approximately 3% of reported control alleles. There has been little investigation into non-truncating variants. (Herman D et al. Truncations of titin causing dilated cardiomyopathy. N Eng J Med 366:619-628, 2012) The variant is found in DCM-CRDM panel(s).